The following is an entry in ClinVar:

NM_153332.4(ERI1):c.893A>G (p.Asp298Gly)

Gene: ERI1 (exoribonuclease 1). Cytogenetic location: 8p23.1.
Variant type: single nucleotide variant.
Coding change: c.893A>G on transcript NM_153332.4 (MANE Select); coding-DNA position 893, A replaced by G.
Protein change: p.Asp298Gly; replaces aspartic acid 298 with glycine.
Molecular consequence: missense variant. On other transcripts: intron variant (1).
Genome position (GRCh38, 1-based): chr8:9,029,877, A>G. VCF-style: chr8-9029877-A-G. GRCh37 (hg19) VCF-style: chr8-8887387-A-G.
Other names: c.659A>G, p.Asp220Gly (NM_001354635.2); c.548A>G, p.Asp183Gly (NM_001354636.2); c.807+9413A>G (NM_001354638.2); short protein forms D298G, D183G, D220G.
Identifiers: ClinVar variation 2674626 (VCV002674626.5), dbSNP rs1433280953, ClinGen allele CA370261815.

ClinVar aggregate classification (germline): Likely pathogenic. Review status: criteria provided, single submitter (1 of 4 stars). 2 submissions from 2 submitters: Likely pathogenic (1). 1 of the submissions does not count toward it. Last evaluated 2024-03-03.

Conditions:
Spondyloepimetaphyseal dysplasia, Guo-Campeau type. Also called: Spondyloepimetaphyseal dysplasia, Guo-Salian type. Identifiers: MedGen C5882737, MONDO:0958006, OMIM 620663.

gnomAD v4.1: 8 of 1,614,130 alleles (0.0005%); highest among the groups gnomAD compares: Non-Finnish European, 0.00068%; no homozygotes.

Submissions (2):

SIB Swiss Institute of Bioinformatics
Classification: Likely pathogenic for Spondyloepimetaphyseal dysplasia, Guo-Campeau type. Last evaluated: 2024-03-03. Review status: criteria provided, single submitter. Criteria: ACMG Guidelines, 2015. Collection method: curation. Allele origin: unknown. Affected: yes.
Comment: This variant is interpreted for Spondyloepimetaphyseal dysplasia, Guo-Campeau type, autosomal recessive. The following ACMG Tag(s) were applied: Absent from controls (or at extremely low frequency if recessive) in gnomAD (PM2). Cosegregation with disease in multiple affected family members in a gene definitively known to cause the disease (PP1). Located in a mutational hot spot and/or critical and well-established functional domain (PM1). Well-established functional studies show a deleterious effect (PS3-supporting). Multiple lines of computational evidence support a deleterious effect on the gene or gene product (PP3).

OMIM
Classification: Pathogenic for SPONDYLOEPIMETAPHYSEAL DYSPLASIA, GUO-CAMPEAU TYPE. Last evaluated: 2024-02-08. Review status: no assertion criteria provided. Collection method: literature only. Allele origin: germline. Not counted in ClinVar's aggregate classification.

Literature cited by the submitters: PubMed 37352860 (cited by SIB Swiss Institute of Bioinformatics and OMIM).